The following is an entry in ClinVar:

NM_000321.3(RB1):c.1204T>C (p.Ser402Pro)

Gene: RB1 (RB transcriptional corepressor 1; plus strand). Cytogenetic location: 13q14.2.
Variant type: single nucleotide variant.
Coding change: c.1204T>C on transcript NM_000321.3 (MANE Select); coding-DNA position 1204, T replaced by C.
Protein change: p.Ser402Pro; replaces serine 402 with proline.
Molecular consequence: missense variant.
Genome position (GRCh38, 1-based): chr13:48,373,481, T>C. VCF-style: chr13-48373481-T-C. GRCh37 (hg19) VCF-style: chr13-48947617-T-C.
Other names: c.1204T>C, p.Ser402Pro (NM_001407165.1, NM_001407166.1); short protein forms S402P.
Identifiers: ClinVar variation 1992979 (VCV001992979.4), dbSNP rs765021598, ClinGen allele CA027795.

ClinVar aggregate classification (germline): Uncertain significance (1 of 4 stars; one submission).

Conditions:
Retinoblastoma (RB1). Also called: RETINOBLASTOMA, SOMATIC. Identifiers: Orphanet 790, MedGen C0035335, MeSH D012175, MONDO:0008380, OMIM 180200, HP:0009919. Disease mechanism: loss of function. Inheritance: Both sporadic and heritable forms are tested..

Allele frequency attached by ClinVar (database versions not stated): gnomAD exomes below 0.00001; ExAC 0.00001.
gnomAD v4.1: 1 of 1,573,506 alleles (0.000064%); highest among the groups gnomAD compares: Admixed American, 0.0017%; no homozygotes.

Submission:

Labcorp Genetics (formerly Invitae), Labcorp
Classification: Uncertain significance for Retinoblastoma. Last evaluated: 2022-06-19. Review status: criteria provided, single submitter. Criteria: Invitae Variant Classification Sherloc (09022015). Collection method: clinical testing. Allele origin: germline.
Comment: This variant is present in population databases (rs765021598, gnomAD 0.003%). This sequence change replaces serine, which is neutral and polar, with proline, which is neutral and non-polar, at codon 402 of the RB1 protein (p.Ser402Pro). Advanced modeling of protein sequence and biophysical properties (such as structural, functional, and spatial information, amino acid conservation, physicochemical variation, residue mobility, and thermodynamic stability) performed at Invitae indicates that this missense variant is expected to disrupt RB1 protein function. In summary, the available evidence is currently insufficient to determine the role of this variant in disease. Therefore, it has been classified as a Variant of Uncertain Significance. This variant has not been reported in the literature in individuals affected with RB1-related conditions.